The following is an entry in ClinVar:

NM_001875.5(CPS1):c.2265C>T (p.Ser755=)

Gene: CPS1 (carbamoyl-phosphate synthase 1; plus strand). Cytogenetic location: 2q34.
Variant type: single nucleotide variant.
Coding change: c.2265C>T on transcript NM_001875.5 (MANE Select); coding-DNA position 2265, C replaced by T.
Protein change: p.Ser755=; no amino-acid change (serine 755 retained).
Molecular consequence: synonymous variant. On other transcripts: non-coding transcript variant (2).
Genome position (GRCh38, 1-based): chr2:210,608,433, C>T. VCF-style: chr2-210608433-C-T. GRCh37 (hg19) VCF-style: chr2-211473157-C-T.
Other names: c.2265C>T (LRG_336t1); c.2265C>T, p.Ser755= (NM_001122633.3, NM_001369257.1); c.2298C>T, p.Ser766= (NM_001369256.1).
Identifiers: ClinVar variation 334026 (VCV000334026.17), dbSNP rs41272667, ClinGen allele CA2086598.

ClinVar aggregate classification (germline): Benign/Likely benign. Review status: criteria provided, multiple submitters, no conflicts (2 of 4 stars). 5 submissions from 5 submitters: Benign (2); Likely benign (3). Last evaluated 2026-01-25.

Conditions:
Congenital hyperammonemia, type I. Also called: CPS I DEFICIENCY; Carbamoyl phosphate synthetase 1 deficiency; Hyperammonemia due to carbamoyl phosphate synthetase 1 deficiency; CPS 1 deficiency; Carbamyl phosphate synthetase (CPS) deficiency; Carbamoyl phosphate synthetase I deficiency disease. Identifiers: Orphanet 147, MedGen C4082171, MONDO:0009376, OMIM 237300.
Pulmonary hypertension, neonatal, susceptibility to (PHN). Identifiers: MedGen C3714958, MONDO:0014151, OMIM 615371.

Allele frequency attached by ClinVar (database versions not stated): 1000 Genomes Project 30x 0.00906; 1000 Genomes Project 0.00958.
gnomAD v4.1: 2,418 of 1,612,380 alleles (0.15%); highest among the groups gnomAD compares: African/African-American, 2.7%; 28 homozygotes.

Submissions (5):

Labcorp Genetics (formerly Invitae), Labcorp
Classification: Benign for Congenital hyperammonemia, type I. Last evaluated: 2026-01-25. Review status: criteria provided, single submitter. Criteria: Invitae Variant Classification Sherloc (09022015). Collection method: clinical testing. Allele origin: germline.

Fulgent Genetics
Classification: Likely benign for Congenital hyperammonemia, type I; Pulmonary hypertension, neonatal, susceptibility to. Last evaluated: 2022-04-08. Review status: criteria provided, single submitter. Criteria: ACMG Guidelines, 2015. Collection method: clinical testing. Allele origin: unknown.

Illumina Laboratory Services, Illumina
Classification: Likely benign for Congenital hyperammonemia, type I. Last evaluated: 2017-04-27. Review status: criteria provided, single submitter. Criteria: ICSL Variant Classification Criteria 13 December 2019. Collection method: clinical testing. Allele origin: germline.
Comment: This variant was observed as part of a predisposition screen in an ostensibly healthy population. A literature search was performed for the gene, cDNA change, and amino acid change (where applicable). Publications were found based on this search. The evidence from the literature, in combination with allele frequency data from public databases where available, was sufficient to determine this variant is unlikely to cause disease. Therefore, this variant is classified as likely benign.

GeneDx
Classification: Benign. Last evaluated: 2016-07-12. Review status: criteria provided, single submitter. Criteria: GeneDx Variant Classification (06012015). Collection method: clinical testing. Allele origin: germline. Affected: yes.
Comment: This variant is considered likely benign or benign based on one or more of the following criteria: it is a conservative change, it occurs at a poorly conserved position in the protein, it is predicted to be benign by multiple in silico algorithms, and/or has population frequency not consistent with disease.

Breakthrough Genomics
Classification: Likely benign. Review status: criteria provided, single submitter. Criteria: ACMG Guidelines, 2015. Collection method: not provided. Allele origin: germline. Inheritance: Autosomal recessive inheritance. Affected: yes.

Literature cited by the submitters: PubMed 18666241 (cited by Illumina Laboratory Services, Illumina).